The following is an entry in ClinVar:

NM_001080449.3(DNA2):c.2826G>A (p.Pro942=)

Gene: DNA2 (DNA replication helicase/nuclease 2; minus strand). Cytogenetic location: 10q21.3.
Variant type: single nucleotide variant.
Coding change: c.2826G>A on transcript NM_001080449.3 (MANE Select); coding-DNA position 2826, G replaced by A.
Protein change: p.Pro942=; no amino-acid change (proline 942 retained).
Molecular consequence: synonymous variant. On other transcripts: non-coding transcript variant (1).
Genome position (GRCh38, 1-based): chr10:68,419,175, C>T on the plus strand (G>A on the coding strand, the complement: DNA2 is on the minus strand). VCF-style: chr10-68419175-C-T. GRCh37 (hg19) VCF-style: chr10-70178932-C-T.
Identifiers: ClinVar variation 508245 (VCV000508245.32), dbSNP rs200956547, ClinGen allele CA5524722.

ClinVar aggregate classification (germline): Likely benign. Review status: criteria provided, multiple submitters, no conflicts (2 of 4 stars). 3 submissions from 3 submitters: Likely benign (3). Last evaluated 2026-01-17.

Allele frequency attached by ClinVar (database versions not stated): ExAC 0.00004; gnomAD exomes 0.00007; ESP Exome Variant Server 0.00008; TOPMed 0.00009; gnomAD 0.00010 and 0.00011.
gnomAD v4.1: 167 of 1,610,324 alleles (0.01%); highest among the groups gnomAD compares: Middle Eastern, 0.3%; 1 homozygote.

Submissions (3):

Labcorp Genetics (formerly Invitae), Labcorp
Classification: Likely benign. Last evaluated: 2026-01-17. Review status: criteria provided, single submitter. Criteria: Invitae Variant Classification Sherloc (09022015). Collection method: clinical testing. Allele origin: germline.

CeGaT Center for Human Genetics Tuebingen
Classification: Likely benign. Last evaluated: 2023-10-01. Review status: criteria provided, single submitter. Criteria: CeGaT Center For Human Genetics Tuebingen Variant Classification Criteria Version 2. Collection method: clinical testing. Allele origin: germline. Affected: yes. Observed: 1 variant allele.
Comment: DNA2: BP4, BP7

GeneDx
Classification: Likely benign. Last evaluated: 2017-12-08. Review status: criteria provided, single submitter. Criteria: GeneDx Variant Classification (06012015). Collection method: clinical testing. Allele origin: germline. Affected: yes.
Comment: This variant is considered likely benign or benign based on one or more of the following criteria: it is a conservative change, it occurs at a poorly conserved position in the protein, it is predicted to be benign by multiple in silico algorithms, and/or has population frequency not consistent with disease.